The following is an entry in ClinVar:

ClinVar aggregate classification (germline): Uncertain significance (1 of 4 stars; one submission).

Conditions:
Charcot-Marie-Tooth disease type 2. Also called: Charcot-Marie-Tooth type 2. Identifiers: Orphanet 64746, MedGen C0270914, MONDO:0018993.

Allele frequency attached by ClinVar (database versions not stated): TOPMed below 0.00001.

Submission:

Labcorp Genetics (formerly Invitae), Labcorp
Classification: Uncertain significance for Charcot-Marie-Tooth disease type 2. Last evaluated: 2020-10-06. Review status: criteria provided, single submitter. Criteria: Invitae Variant Classification Sherloc (09022015). Collection method: clinical testing. Allele origin: germline.
Comment: This variant has not been reported in the literature in individuals with MFN2-related conditions. This variant is not present in population databases (ExAC no frequency). This sequence change replaces alanine with threonine at codon 565 of the MFN2 protein (p.Ala565Thr). The alanine residue is moderately conserved and there is a small physicochemical difference between alanine and threonine. Advanced modeling of protein sequence and biophysical properties (such as structural, functional, and spatial information, amino acid conservation, physicochemical variation, residue mobility, and thermodynamic stability) performed at Invitae indicates that this missense variant is not expected to disrupt MFN2 protein function. In summary, the available evidence is currently insufficient to determine the role of this variant in disease. Therefore, it has been classified as a Variant of Uncertain Significance.

NM_014874.4(MFN2):c.1693G>A (p.Ala565Thr)

Genes: MFN2 (mitofusin 2; plus strand), LOC129929426 (ATAC-STARR-seq lymphoblastoid active region 185; plus strand). Cytogenetic location: 1p36.22.
Variant type: single nucleotide variant.
Coding change: c.1693G>A on transcript NM_014874.4 (MANE Select); coding-DNA position 1693, G replaced by A.
Protein change: p.Ala565Thr; replaces alanine 565 with threonine.
Molecular consequence: missense variant.
Genome position (GRCh38, 1-based): chr1:12,005,908, G>A. VCF-style: chr1-12005908-G-A. GRCh37 (hg19) VCF-style: chr1-12065965-G-A.
Other names: c.1693G>A, p.Ala565Thr (NM_001127660.2); short protein forms A565T.
Identifiers: ClinVar variation 1023034 (VCV001023034.9), dbSNP rs1639388309, ClinGen allele CA338448244.
Genomic context (GRCh38, chr1:12,005,908, plus strand): 5'-TTCTCTCTCGGATGGACCATGCTGGTGAATAGGTTCCTGGGCCCCAAGAACAGCCGTCGG[G>A]CCTTGATGGGCTACAATGACCAGGCAAGCAAAGTTCCTCACCTCAAGGGCATTGTGGGGG-3'
Protein context (NP_055689.1, residues 555-575): RFLGPKNSRR[Ala565Thr]LMGYNDQVQR